The following is an entry in ClinVar:

NM_031370.3(HNRNPD):c.54G>A (p.Ala18=)

Gene: HNRNPD (heterogeneous nuclear ribonucleoprotein D; minus strand). Cytogenetic location: 4q21.22.
Variant type: single nucleotide variant.
Coding change: c.54G>A on transcript NM_031370.3 (MANE Select); coding-DNA position 54, G replaced by A.
Protein change: p.Ala18=; no amino-acid change (alanine 18 retained).
Molecular consequence: synonymous variant.
Genome position (GRCh38, 1-based): chr4:82,373,625, C>T on the plus strand (G>A on the coding strand, the complement: HNRNPD is on the minus strand). VCF-style: chr4-82373625-C-T. GRCh37 (hg19) VCF-style: chr4-83294778-C-T.
Other names: c.54G>A, p.Ala18= (NM_001003810.2, NM_002138.4, NM_031369.3).
Identifiers: ClinVar variation 3044881 (VCV003044881.2), dbSNP rs1023530018, ClinGen allele CA101020762.

ClinVar aggregate classification (germline): Likely benign (0 of 4 stars; one submission).

Conditions:
HNRNPD-related disorder. Also called: HNRNPD-related condition.

Allele frequency attached by ClinVar (database versions not stated): gnomAD 0.00001; TOPMed 0.00001.
gnomAD v4.1: 6 of 1,527,248 alleles (0.00039%); highest among the groups gnomAD compares: African/African-American, 0.007%; no homozygotes.

Submission:

PreventionGenetics, part of Exact Sciences
Classification: Likely benign for HNRNPD-related condition. Last evaluated: 2019-05-30. Review status: no assertion criteria provided. Collection method: clinical testing. Allele origin: germline.
Comment: This variant is classified as likely benign based on ACMG/AMP sequence variant interpretation guidelines (Richards et al. 2015 PMID: 25741868, with internal and published modifications).